The following is an entry in ClinVar:

ClinVar aggregate classification (germline): Likely pathogenic (1 of 4 stars; one submission).

Conditions:
Glycogen storage disease IXb (GSD9B). Also called: PHOSPHORYLASE KINASE DEFICIENCY OF LIVER AND MUSCLE, AUTOSOMAL RECESSIVE; GSD IXb; GLYCOGENOSIS OF LIVER AND MUSCLE, AUTOSOMAL RECESSIVE. Identifiers: Orphanet 79240, MedGen C0543514, MONDO:0009868, OMIM 261750.

Allele frequency attached by ClinVar (database versions not stated): gnomAD exomes below 0.00001; TOPMed below 0.00001; gnomAD 0.00001.
gnomAD v4.1: 3 of 1,607,628 alleles (0.00019%); highest among the groups gnomAD compares: African/African-American, 0.0013%; no homozygotes.

Submission:

Labcorp Genetics (formerly Invitae), Labcorp
Classification: Likely pathogenic for Glycogen storage disease IXb. Last evaluated: 2023-07-08. Review status: criteria provided, single submitter. Criteria: Invitae Variant Classification Sherloc (09022015). Collection method: clinical testing. Allele origin: germline.
Comment: This sequence change affects an acceptor splice site in intron 29 of the PHKB gene. It is expected to disrupt RNA splicing. Variants that disrupt the donor or acceptor splice site typically lead to a loss of protein function (PMID: 16199547), and loss-of-function variants in PHKB are known to be pathogenic (PMID: 9215682, 9326319). This variant is not present in population databases (gnomAD no frequency). This variant has not been reported in the literature in individuals affected with PHKB-related conditions. Algorithms developed to predict the effect of sequence changes on RNA splicing suggest that this variant may disrupt the consensus splice site. In summary, the currently available evidence indicates that the variant is pathogenic, but additional data are needed to prove that conclusively. Therefore, this variant has been classified as Likely Pathogenic.

Literature cited by the submitters: PubMed 16199547; PubMed 9215682; PubMed 9326319.

NM_000293.3(PHKB):c.3004-2A>G

Gene: PHKB (phosphorylase kinase regulatory subunit beta; plus strand). Cytogenetic location: 16q12.1.
Variant type: single nucleotide variant.
Coding change: c.3004-2A>G on transcript NM_000293.3 (MANE Select); the canonical splice acceptor site of the intron before coding-DNA position 3004, A replaced by G.
Molecular consequence: splice acceptor variant.
Genome position (GRCh38, 1-based): chr16:47,698,446, A>G. VCF-style: chr16-47698446-A-G. GRCh37 (hg19) VCF-style: chr16-47732357-A-G.
Other names: c.3004-2A>G (NM_001363837.1); c.2983-2A>G (NM_001031835.3).
Identifiers: ClinVar variation 2955836 (VCV002955836.1), dbSNP rs1974188923, ClinGen allele CA396101412.
Genomic context (GRCh38, chr16:47,698,446, plus strand): 5'-AGGGTGAAAACATGTCACTATTATGGTTCATATAGTTGGCTTTCAATGTCTGTCTCTTCT[A>G]GTTACTTATGGTTGTATCCATTGTACTGGAAAGAAACCCCGAGCTAGAATTTCAAGACAA-3'